The following is an entry in ClinVar:

NM_001440.4(EXTL3):c.1291G>A (p.Ala431Thr)

Gene: EXTL3 (exostosin like glycosyltransferase 3; plus strand). Cytogenetic location: 8p21.1.
Variant type: single nucleotide variant.
Coding change: c.1291G>A on transcript NM_001440.4 (MANE Select); coding-DNA position 1291, G replaced by A.
Protein change: p.Ala431Thr; replaces alanine 431 with threonine.
Molecular consequence: missense variant.
Genome position (GRCh38, 1-based): chr8:28,717,350, G>A. VCF-style: chr8-28717350-G-A. GRCh37 (hg19) VCF-style: chr8-28574867-G-A.
Other names: short protein forms A431T.
Identifiers: ClinVar variation 1424893 (VCV001424893.7), dbSNP rs1484770197, ClinGen allele CA370859121.

ClinVar aggregate classification (germline): Uncertain significance (1 of 4 stars; one submission).

Allele frequency attached by ClinVar (database versions not stated): gnomAD exomes below 0.00001; gnomAD 0.00001.
gnomAD v4.1: 11 of 1,614,070 alleles (0.00068%); highest among the groups gnomAD compares: Admixed American, 0.0017%; no homozygotes.

Submission:

Labcorp Genetics (formerly Invitae), Labcorp
Classification: Uncertain significance. Last evaluated: 2022-03-02. Review status: criteria provided, single submitter. Criteria: Invitae Variant Classification Sherloc (09022015). Collection method: clinical testing. Allele origin: germline.
Comment: In summary, the available evidence is currently insufficient to determine the role of this variant in disease. Therefore, it has been classified as a Variant of Uncertain Significance. Algorithms developed to predict the effect of missense changes on protein structure and function (SIFT, PolyPhen-2, Align-GVGD) all suggest that this variant is likely to be tolerated. This variant has not been reported in the literature in individuals affected with EXTL3-related conditions. This variant is present in population databases (no rsID available, gnomAD 0.003%). This sequence change replaces alanine, which is neutral and non-polar, with threonine, which is neutral and polar, at codon 431 of the EXTL3 protein (p.Ala431Thr).